The following is an entry in ClinVar:

ClinVar aggregate classification (germline): Pathogenic (1 of 4 stars; one submission).

Submission:

Labcorp Genetics (formerly Invitae), Labcorp
Classification: Pathogenic. Last evaluated: 2019-12-23. Review status: criteria provided, single submitter. Criteria: Invitae Variant Classification Sherloc (09022015). Collection method: clinical testing. Allele origin: germline.
Comment: Loss-of-function variants in GNPTG are known to be pathogenic (PMID: 19370764, 20301784). This variant has not been reported in the literature in individuals with GNPTG-related conditions. Algorithms developed to predict the effect of sequence changes on RNA splicing suggest that this variant may create or strengthen a splice site, but this prediction has not been confirmed by published transcriptional studies. This sequence change creates a premature translational stop signal (p.Trp122*) in the GNPTG gene. It is expected to result in an absent or disrupted protein product. This variant is not present in population databases (ExAC no frequency). For these reasons, this variant has been classified as Pathogenic.

Literature cited by the submitters: PubMed 19370764; PubMed 20301784.

NM_032520.5(GNPTG):c.365G>A (p.Trp122Ter)

Gene: GNPTG (N-acetylglucosamine-1-phosphate transferase subunit gamma; plus strand). Cytogenetic location: 16p13.3.
Variant type: single nucleotide variant.
Coding change: c.365G>A on transcript NM_032520.5 (MANE Select); coding-DNA position 365, G replaced by A.
Protein change: p.Trp122Ter; replaces tryptophan 122 with a stop codon.
Molecular consequence: nonsense.
Genome position (GRCh38, 1-based): chr16:1,362,085, G>A. VCF-style: chr16-1362085-G-A. GRCh37 (hg19) VCF-style: chr16-1412086-G-A.
Other names: short protein forms W122*.
Identifiers: ClinVar variation 835923 (VCV000835923.8), dbSNP rs1291093292, ClinGen allele CA394187283.